The following is an entry in ClinVar:

ClinVar aggregate classification (germline): Likely pathogenic (1 of 4 stars; one submission).

Conditions:
Chromosome 2q32-q33 deletion syndrome (GLASS). Also called: 2q33.1 deletion syndrome; Glass syndrome. Identifiers: Orphanet 251019, MedGen C2676739, MONDO:0012864, OMIM 612313.

Submission:

Labcorp Genetics (formerly Invitae), Labcorp
Classification: Likely pathogenic for Chromosome 2q32-q33 deletion syndrome. Last evaluated: 2022-12-06. Review status: criteria provided, single submitter. Criteria: Invitae Variant Classification Sherloc (09022015). Collection method: clinical testing. Allele origin: germline.
Comment: In summary, the currently available evidence indicates that the variant is pathogenic, but additional data are needed to prove that conclusively. Therefore, this variant has been classified as Likely Pathogenic. This variant has not been reported in the literature in individuals affected with SATB2-related conditions. This variant results in a copy number gain of the genomic region encompassing exon(s) 4-6 of the SATB2 gene. While the exact position of this variant cannot be determined from the data, sub-genic copy number gains are generally in tandem (PMID: 25640679). This variant is predicted to be out-of-frame, and may result in an absent or disrupted protein product. Loss-of-function variants in SATB2 are known to be pathogenic (PMID: 25885067).

Literature cited by the submitters: PubMed 25640679; PubMed 25885067.

NC_000002.12:g.(?_199380344)_(199433534_?)dup

Gene: SATB2 (SATB homeobox 2; minus strand). Cytogenetic location: 2q33.1.
Variant type: Duplication.
Identifiers: ClinVar variation 832126 (VCV000832126.3).